The following is an entry in ClinVar:

ClinVar aggregate classification (germline): Pathogenic. Review status: criteria provided, multiple submitters, no conflicts (2 of 4 stars). 5 submissions from 5 submitters: Pathogenic (4). 1 of the submissions does not count toward it. Last evaluated 2026-06-14.

Conditions:
Granulomatous disease, chronic, X-linked. Also called: GRANULOMATOUS DISEASE, CHRONIC, X-LINKED, SOMATIC MOSAIC; CYTOCHROME b-NEGATIVE GRANULOMATOUS DISEASE, CHRONIC, X-LINKED. Identifiers: Orphanet 379, MedGen C1844376, MONDO:0010600, OMIM 306400.

Allele frequency attached by ClinVar (database versions not stated): gnomAD exomes below 0.00001.
gnomAD v4.1: 1 of 1,209,855 alleles (0.000083%); highest among the groups gnomAD compares: Non-Finnish European, 0.00011%; no homozygotes.

Submissions (5):

Victorian Clinical Genetics Services, Murdoch Childrens Research Institute
Classification: Pathogenic for Granulomatous disease, chronic, X-linked. Last evaluated: 2026-06-14. Review status: criteria provided, single submitter. Criteria: ACMG Guidelines, 2015. Collection method: clinical testing. Allele origin: germline.
Comment: This variant is classified as Pathogenic. Evidence in support of pathogenic classification: Variant is present in gnomAD <0.01 (v4: 1 heterozygote(s), 0 homozygote(s), 0 hemizygote(s)); This variant has strong previous evidence of pathogenicity in unrelated individuals. This variant has been classified as pathogenic clinical laboratories in ClinVar and has been reported in the literature in multiple male individuals with chronic granulomatous disease. Additionally, their mothers were confirmed as carriers of the variant (ClinVar; PMIDs: 19410294, 26185101, 30470980, 31456102, 33963972); This variant has limited evidence for segregation with disease. This variant has been identified in four affected male individuals within the same family (PMID: 19410294). Additional information: Variant is predicted to result in a missense amino acid change from Glu to Lys; This gene is associated with X-linked disease. Hemizygous males and homozygous females are commonly affected; however, some heterozygous female carriers can also be affected depending on X-inactivation (PMID: 22876374); Variant is located in the annotated FAD binding 8 domain (DECIPHER); Missense variant predicted to be damaging by in silico tool(s) or highly conserved with a major amino acid change; Loss of function is a known mechanism of disease in this gene and is associated with chronic granulomatous disease (MIM#306400) and mycobacteriosis immunodeficiency 34 (MIM#300645).

Labcorp Genetics (formerly Invitae), Labcorp
Classification: Pathogenic for Granulomatous disease, chronic, X-linked. Last evaluated: 2025-02-18. Review status: criteria provided, single submitter. Criteria: Invitae Variant Classification Sherloc (09022015). Collection method: clinical testing. Allele origin: germline.
Comment: This sequence change replaces glutamic acid, which is acidic and polar, with lysine, which is basic and polar, at codon 309 of the CYBB protein (p.Glu309Lys). This variant is not present in population databases (gnomAD no frequency). This missense change has been observed in individuals with chronic granulomatous disease (PMID: 8634410, 9585602, 10068684, 20729109, 30470980). ClinVar contains an entry for this variant (Variation ID: 68412). Invitae Evidence Modeling of protein sequence and biophysical properties (such as structural, functional, and spatial information, amino acid conservation, physicochemical variation, residue mobility, and thermodynamic stability) has been performed for this missense variant. However, the output from this modeling did not meet the statistical confidence thresholds required to predict the impact of this variant on CYBB protein function. Experimental studies have shown that this missense change affects CYBB function (PMID: 25252997). For these reasons, this variant has been classified as Pathogenic.

GeneDx
Classification: Pathogenic. Last evaluated: 2025-02-15. Review status: criteria provided, single submitter. Criteria: GeneDx Variant Classification Process June 2021. Collection method: clinical testing. Allele origin: germline. Affected: yes.
Comment: Published functional studies demonstrate reduced activity compared to wild-type (PMID: 25252997); Not observed at significant frequency in large population cohorts (gnomAD); In silico analysis supports that this missense variant has a deleterious effect on protein structure/function; This variant is associated with the following publications: (PMID: 10068684, 10914676, 35796921, 30470980, 35140711, 37898571, 11162142, 20729109, 26464403, 9585602, 8634410, 26185101, 23288160, 21190454, 19410294, 33717137, 35874699, 35729272, 34651207, 25252997, 37533075)

Women's Health and Genetics/Laboratory Corporation of America, LabCorp
Classification: Pathogenic for Granulomatous disease, chronic, X-linked. Last evaluated: 2023-12-12. Review status: criteria provided, single submitter. Criteria: LabCorp Variant Classification Summary - May 2015. Collection method: clinical testing. Allele origin: germline.
Comment: Variant summary: CYBB c.925G>A (p.Glu309Lys) results in a conservative amino acid change located in the FAD-binding 8 domain (IPR013112) of the encoded protein sequence. Four of five in-silico tools predict a damaging effect of the variant on protein function. The variant was absent in 182189 control chromosomes. c.925G>A has been reported in the literature in multiple individuals affected with X-Linked Chronic Granulomatous Disease (e.g., Di Matteo_2009, Kuhns_2010). These data indicate that the variant is very likely to be associated with disease. At least one publication reports experimental evidence evaluating an impact on protein function. X-CGD mutant PLB-985 cells with this variant demonstrated only faint residual NADPH oxidase activity compared to WT (e.g., Beaumel_2014). The following publications have been ascertained in the context of this evaluation (PMID: 25252997, 19410294, 21190454). Two submitters have cited clinical-significance assessments for this variant to ClinVar after 2014, and both submitters classified the variant as pathogenic. Based on the evidence outlined above, the variant was classified as pathogenic.

UniProtKB/Swiss-Prot
No classification provided. Review status: no classification provided. Collection method: not provided. Allele origin: not provided. Not counted in ClinVar's aggregate classification.

Literature cited by the submitters: PubMed 22876374 (cited by Victorian Clinical Genetics Services, Murdoch Childrens Research Institute); PubMed 31456102 (cited by Victorian Clinical Genetics Services, Murdoch Childrens Research Institute); PubMed 19410294 (cited by Victorian Clinical Genetics Services, Murdoch Childrens Research Institute and Women's Health and Genetics/Laboratory Corporation of America, LabCorp); PubMed 30470980 (cited by Victorian Clinical Genetics Services, Murdoch Childrens Research Institute and Labcorp Genetics (formerly Invitae), Labcorp); PubMed 26185101 (cited by Victorian Clinical Genetics Services, Murdoch Childrens Research Institute); PubMed 33963972 (cited by Victorian Clinical Genetics Services, Murdoch Childrens Research Institute); PubMed 8634410 (cited by Labcorp Genetics (formerly Invitae), Labcorp); PubMed 9585602 (cited by Labcorp Genetics (formerly Invitae), Labcorp); PubMed 10068684 (cited by Labcorp Genetics (formerly Invitae), Labcorp); PubMed 20729109 (cited by Labcorp Genetics (formerly Invitae), Labcorp); PubMed 25252997 (cited by Labcorp Genetics (formerly Invitae), Labcorp and Women's Health and Genetics/Laboratory Corporation of America, LabCorp); PubMed 21190454 (cited by Women's Health and Genetics/Laboratory Corporation of America, LabCorp).

NM_000397.4(CYBB):c.925G>A (p.Glu309Lys)

Gene: CYBB (cytochrome b-245 beta chain; plus strand). Cytogenetic location: Xp11.4.
Variant type: single nucleotide variant.
Coding change: c.925G>A on transcript NM_000397.4 (MANE Select); coding-DNA position 925, G replaced by A.
Protein change: p.Glu309Lys; replaces glutamic acid 309 with lysine.
Molecular consequence: missense variant.
Genome position (GRCh38, 1-based): chrX:37,803,904, G>A. VCF-style: chrX-37803904-G-A. GRCh37 (hg19) VCF-style: chrX-37663157-G-A.
Other names: short protein forms E309K.
Identifiers: ClinVar variation 68412 (VCV000068412.14), dbSNP rs151344466, ClinGen allele CA219756.